The following is an entry in ClinVar:

ClinVar aggregate classification (germline): Conflicting classifications of pathogenicity. Review status: criteria provided, conflicting classifications (1 of 4 stars). 3 submissions from 3 submitters: Uncertain significance (2); Likely benign (1). Last evaluated 2024-10-29.

Conditions:
PLEC-related disorder. Also called: PLEC-related condition; PLEC-related disorders.
Epidermolysis bullosa simplex 5C, with pyloric atresia (EBS5C). Also called: PLEC-Related Epidermolysis Bullosa with Pyloric Atresia; Epidermolysis bullosa simplex with pyloric atresia; PLEC1-Related Epidermolysis Bullosa with Pyloric Atresia. Identifiers: Orphanet 158684, MedGen C2677349, MONDO:0012807, OMIM 612138.
Epidermolysis bullosa simplex with nail dystrophy (EBS5D). Identifiers: MedGen C4225309, MONDO:0014661, OMIM 616487.
Autosomal recessive limb-girdle muscular dystrophy type 2Q (LGMDR17). Also called: MUSCULAR DYSTROPHY, LIMB-GIRDLE, AUTOSOMAL RECESSIVE 17. Identifiers: Orphanet 254361, MedGen C3150989, MONDO:0013390, OMIM 613723.
Epidermolysis bullosa simplex, Ogna type (EBS5A). Also called: Pidermolysis bullosa simplex 5A, Ogna type; EPIDERMOLYSIS BULLOSA SIMPLEX 5A, OGNA TYPE. Identifiers: Orphanet 79401, MedGen C0432317, MONDO:0007555, OMIM 131950.
Epidermolysis bullosa simplex 5B, with muscular dystrophy (EBS5B). Also called: EPIDERMOLYSIS BULLOSA SIMPLEX AND LIMB-GIRDLE MUSCULAR DYSTROPHY; Epidermolysis bullosa simplex with muscular dystrophy. Identifiers: Orphanet 257, MedGen C2931072, MONDO:0009181, OMIM 226670.

Allele frequency attached by ClinVar (database versions not stated): ExAC 0.00003; TOPMed 0.00005; gnomAD 0.00007; gnomAD exomes 0.00008.
gnomAD v4.1: 77 of 1,608,944 alleles (0.0048%); highest among the groups gnomAD compares: East Asian, 0.0045%; no homozygotes.

Submissions (3):

PreventionGenetics, part of Exact Sciences
Classification: Likely benign for PLEC-related condition. Last evaluated: 2024-10-29. Review status: criteria provided, single submitter. Criteria: ACMG Guidelines, 2015. Collection method: clinical testing. Allele origin: germline.
Comment: This variant is classified as likely benign based on ACMG/AMP sequence variant interpretation guidelines (Richards et al. 2015 PMID: 25741868, with internal and published modifications).

Labcorp Genetics (formerly Invitae), Labcorp
Classification: Uncertain significance for Autosomal recessive limb-girdle muscular dystrophy type 2Q; Epidermolysis bullosa simplex, Ogna type; Epidermolysis bullosa simplex with nail dystrophy; Epidermolysis bullosa simplex 5C, with pyloric atresia; Epidermolysis bullosa simplex 5B, with muscular dystrophy. Last evaluated: 2024-03-25. Review status: criteria provided, single submitter. Criteria: Invitae Variant Classification Sherloc (09022015). Collection method: clinical testing. Allele origin: germline.
Comment: This sequence change falls in intron 23 of the PLEC gene. It does not directly change the encoded amino acid sequence of the PLEC protein. It affects a nucleotide within the consensus splice site. The frequency data for this variant in the population databases is considered unreliable, as metrics indicate poor data quality at this position in the gnomAD database. This variant has not been reported in the literature in individuals affected with PLEC-related conditions. ClinVar contains an entry for this variant (Variation ID: 283102). Variants that disrupt the consensus splice site are a relatively common cause of aberrant splicing (PMID: 17576681, 9536098). Algorithms developed to predict the effect of sequence changes on RNA splicing suggest that this variant is not likely to affect RNA splicing. In summary, the available evidence is currently insufficient to determine the role of this variant in disease. Therefore, it has been classified as a Variant of Uncertain Significance.

Eurofins Ntd Llc (ga)
Classification: Uncertain significance. Last evaluated: 2015-09-10. Review status: criteria provided, single submitter. Criteria: EGL Classification Definitions 2015. Collection method: clinical testing. Allele origin: germline. Observed: 1 variant allele, 1 heterozygote.

Literature cited by the submitters: PubMed 17576681 (cited by Labcorp Genetics (formerly Invitae), Labcorp); PubMed 9536098 (cited by Labcorp Genetics (formerly Invitae), Labcorp).

NM_201384.3(PLEC):c.2739+5G>A

Gene: PLEC (plectin; minus strand). Cytogenetic location: 8q24.3.
Variant type: single nucleotide variant.
Coding change: c.2739+5G>A on transcript NM_201384.3 (MANE Select); 5 bases into the intron after coding-DNA position 2739, G replaced by A.
Molecular consequence: intron variant.
Genome position (GRCh38, 1-based): chr8:143,929,931, C>T on the plus strand (G>A on the coding strand, the complement: PLEC is on the minus strand). VCF-style: chr8-143929931-C-T. GRCh37 (hg19) VCF-style: chr8-145004099-C-T.
Other names: c.2820+5G>A (NM_000445.5); c.2697+5G>A (NM_201378.4); c.2673+5G>A (NM_201379.3); c.3150+5G>A (NM_201380.4); c.2643+5G>A (NM_201381.3); c.2739+5G>A (NM_201382.4); c.2751+5G>A (NM_201383.3).
Identifiers: ClinVar variation 283102 (VCV000283102.12), dbSNP rs782147311, ClinGen allele CA4927399.